The following is an entry in ClinVar:

ClinVar aggregate classification (germline): Pathogenic (1 of 4 stars; one submission).

Conditions:
Hereditary breast ovarian cancer syndrome. Also called: Hereditary breast and ovarian cancer syndrome; Hereditary breast and/or ovarian cancer syndrome; Hereditary breast and ovarian cancer; Breast and ovarian cancer; Hereditary breast and ovarian cancer syndrome (HBOC); BRCA1- and BRCA2-Associated Hereditary Breast and Ovarian Cancer. Identifiers: Orphanet 145, MedGen C0677776, MeSH D061325, MONDO:0003582. Disease mechanism: loss of function.

Submission:

Labcorp Genetics (formerly Invitae), Labcorp
Classification: Pathogenic for Hereditary breast ovarian cancer syndrome. Last evaluated: 2024-06-30. Review status: criteria provided, single submitter. Criteria: Invitae Variant Classification Sherloc (09022015). Collection method: clinical testing. Allele origin: germline.
Comment: This sequence change creates a premature translational stop signal (p.Leu1042*) in the BRCA2 gene. It is expected to result in an absent or disrupted protein product. Loss-of-function variants in BRCA2 are known to be pathogenic (PMID: 20104584). This variant is not present in population databases (gnomAD no frequency). This variant has not been reported in the literature in individuals affected with BRCA2-related conditions. For these reasons, this variant has been classified as Pathogenic.

Literature cited by the submitters: PubMed 20104584.

NM_000059.4(BRCA2):c.3125del (p.Ser1041_Leu1042insTer)

Gene: BRCA2 (BRCA2 DNA repair associated; plus strand). Cytogenetic location: 13q13.1.
Variant type: Deletion.
Coding change: c.3125del on transcript NM_000059.4 (MANE Select); coding-DNA position 3125, one base deleted (T; older notation c.3125delT).
Protein change: p.Ser1041_Leu1042insTer.
Molecular consequence: nonsense. On other transcripts: non-coding transcript variant (1), intron variant (2).
Genome position (GRCh38, 1-based): chr13:32,337,480, T deleted; the last of 3 consecutive T bases (chr13:32,337,478-32,337,480); deleting any one gives the same sequence. VCF-style (leftmost placement, unchanged base first): chr13-32337477-GT-G. GRCh37 (hg19) VCF-style: chr13-32911614-GT-G.
Other names: c.3125del, p.Ser1041_Leu1042insTer (NM_001406719.1, NM_001406720.1, NM_001432077.1); c.1909+4093del (NM_001406721.1); c.424+6450del (NM_001406722.1).
Identifiers: ClinVar variation 3658254 (VCV003658254.2).